The following is an entry in ClinVar:

NM_015450.3(POT1):c.7T>G (p.Leu3Val)

Gene: POT1 (protection of telomeres 1; minus strand). Cytogenetic location: 7q31.33.
Variant type: single nucleotide variant.
Coding change: c.7T>G on transcript NM_015450.3 (MANE Select); coding-DNA position 7, T replaced by G.
Protein change: p.Leu3Val; replaces leucine 3 with valine.
Molecular consequence: missense variant. On other transcripts: 5 prime UTR variant (1), non-coding transcript variant (3).
Genome position (GRCh38, 1-based): chr7:124,897,167, A>C on the plus strand (T>G on the coding strand, the complement: POT1 is on the minus strand). VCF-style: chr7-124897167-A-C. GRCh37 (hg19) VCF-style: chr7-124537221-A-C.
Other names: c.-256T>G (NM_001042594.2); short protein forms L3V.
Identifiers: ClinVar variation 4673903 (VCV004673903.1).

ClinVar aggregate classification (germline): Uncertain significance (1 of 4 stars; one submission).

Conditions:
Hereditary cancer-predisposing syndrome. Also called: Neoplastic Syndromes, Hereditary; Tumor predisposition; Hereditary Cancer Syndrome; Hereditary neoplastic syndrome. Identifiers: Orphanet 140162, MedGen C0027672, MeSH D009386, MONDO:0015356.

Submission:

Ambry Genetics
Classification: Uncertain significance for Hereditary cancer-predisposing syndrome. Last evaluated: 2025-12-07. Review status: criteria provided, single submitter. Criteria: Ambry Variant Classification Scheme 2023. Collection method: clinical testing. Allele origin: germline.
Comment: The p.L3V variant (also known as c.7T>G), located in coding exon 1 of the POT1 gene, results from a T to G substitution at nucleotide position 7. The leucine at codon 3 is replaced by valine, an amino acid with highly similar properties. This amino acid position is conserved. In addition, this alteration is predicted to be tolerated by in silico analysis. Based on the available evidence, the clinical significance of this variant remains unclear.